The following is an entry in ClinVar:

ClinVar aggregate classification (germline): Uncertain significance (1 of 4 stars; one submission).

Submission:

Labcorp Genetics (formerly Invitae), Labcorp
Classification: Uncertain significance. Last evaluated: 2021-09-17. Review status: criteria provided, single submitter. Criteria: Invitae Variant Classification Sherloc (09022015). Collection method: clinical testing. Allele origin: germline.
Comment: This variant, c.4885_4887del, is a complex sequence change that results in the deletion of 1 amino acid(s) in the CLTC protein (p.Gln1629del). This variant is not present in population databases (ExAC no frequency). This variant has not been reported in the literature in individuals affected with CLTC-related conditions. Experimental studies and prediction algorithms are not available or were not evaluated, and the functional significance of this variant is currently unknown. In summary, the available evidence is currently insufficient to determine the role of this variant in disease. Therefore, it has been classified as a Variant of Uncertain Significance.

NM_004859.4(CLTC):c.4873_4875del (p.Gln1625del)

Gene: CLTC (clathrin heavy chain; plus strand). Cytogenetic location: 17q23.1.
Variant type: Deletion.
Coding change: c.4873_4875del on transcript NM_004859.4 (MANE Select); coding-DNA positions 4873 to 4875, 3 bases deleted (CAA; older notation c.4873_4875delCAA).
Protein change: p.Gln1625del; deletes glutamine 1625.
Molecular consequence: inframe deletion.
Genome position (GRCh38, 1-based): chr17:59,690,681-59,690,683, CAA deleted; deleting any 3 consecutive bases within chr17:59,690,679-59,690,683 gives the same sequence; the c. name uses the placement nearest the transcript's 3' end. VCF-style (leftmost placement, unchanged base first): chr17-59690678-GAAC-G. GRCh37 (hg19) VCF-style: chr17-57768039-GAAC-G.
Other names: c.4885_4887del, p.Gln1629del (NM_001288653.2); short protein forms Q1625del, Q1629del.
Identifiers: ClinVar variation 1523262 (VCV001523262.3), dbSNP rs2033275832, ClinGen allele CA2268258762.